The following is an entry in ClinVar:

NM_001458.5(FLNC):c.7522G>C (p.Val2508Leu)

Genes: FLNC (filamin C; plus strand), FLNC-AS1 (FLNC antisense RNA 1; minus strand). Cytogenetic location: 7q32.1.
Variant type: single nucleotide variant.
Coding change: c.7522G>C on transcript NM_001458.5 (MANE Select); coding-DNA position 7522, G replaced by C.
Protein change: p.Val2508Leu; replaces valine 2508 with leucine.
Molecular consequence: missense variant.
Genome position (GRCh38, 1-based): chr7:128,856,882, G>C. VCF-style: chr7-128856882-G-C. GRCh37 (hg19) VCF-style: chr7-128496936-G-C.
Other names: c.7423G>C, p.Val2475Leu (NM_001127487.2); short protein forms V2475L, V2508L.
Identifiers: ClinVar variation 3758022 (VCV003758022.2).

ClinVar aggregate classification (germline): Uncertain significance (1 of 4 stars; one submission).

Conditions:
Distal myopathy with posterior leg and anterior hand involvement. Also called: WILLIAMS DISTAL MYOPATHY. Identifiers: Orphanet 63273, MedGen C3279722, MONDO:0013550, OMIM 614065.
Hypertrophic cardiomyopathy 26. Also called: Cardiomyopathy, familial hypertrophic, 26. Identifiers: Orphanet 75249, MedGen C4310749, MONDO:0014883, OMIM 617047.
Myofibrillar myopathy 5. Also called: Filaminopathy (type); FILAMINOPATHY, AUTOSOMAL DOMINANT. Identifiers: Orphanet 171445, MedGen C1836050, MONDO:0012289, OMIM 609524.

Submission:

Labcorp Genetics (formerly Invitae), Labcorp
Classification: Uncertain significance for Distal myopathy with posterior leg and anterior hand involvement; Myofibrillar myopathy 5; Hypertrophic cardiomyopathy 26. Last evaluated: 2024-11-23. Review status: criteria provided, single submitter. Criteria: Invitae Variant Classification Sherloc (09022015). Collection method: clinical testing. Allele origin: germline.
Comment: This sequence change replaces valine, which is neutral and non-polar, with leucine, which is neutral and non-polar, at codon 2508 of the FLNC protein (p.Val2508Leu). This variant is not present in population databases (gnomAD no frequency). This variant has not been reported in the literature in individuals affected with FLNC-related conditions. Invitae Evidence Modeling of protein sequence and biophysical properties (such as structural, functional, and spatial information, amino acid conservation, physicochemical variation, residue mobility, and thermodynamic stability) indicates that this missense variant is not expected to disrupt FLNC protein function with a negative predictive value of 95%. In summary, the available evidence is currently insufficient to determine the role of this variant in disease. Therefore, it has been classified as a Variant of Uncertain Significance.